The following is an entry in ClinVar:

ClinVar aggregate classification (germline): Uncertain significance (1 of 4 stars; one submission).

Conditions:
Hereditary cancer-predisposing syndrome. Also called: Neoplastic Syndromes, Hereditary; Tumor predisposition; Hereditary neoplastic syndrome; Hereditary Cancer Syndrome. Identifiers: Orphanet 140162, MedGen C0027672, MeSH D009386, MONDO:0015356.

Submission:

Ambry Genetics
Classification: Uncertain significance for Hereditary cancer-predisposing syndrome. Last evaluated: 2025-06-12. Review status: criteria provided, single submitter. Criteria: Ambry Variant Classification Scheme 2023. Collection method: clinical testing. Allele origin: germline.
Comment: The p.A1601V variant (also known as c.4802C>T), located in coding exon 29 of the ALK gene, results from a C to T substitution at nucleotide position 4802. The alanine at codon 1601 is replaced by valine, an amino acid with similar properties. This amino acid position is conserved. In addition, this alteration is predicted to be tolerated by in silico analysis. Based on the available evidence, the clinical significance of this variant remains unclear.

NM_004304.5(ALK):c.4802C>T (p.Ala1601Val)

Gene: ALK (ALK receptor tyrosine kinase; minus strand). Cytogenetic location: 2p23.2.
Variant type: single nucleotide variant.
Coding change: c.4802C>T on transcript NM_004304.5 (MANE Select); coding-DNA position 4802, C replaced by T.
Protein change: p.Ala1601Val; replaces alanine 1601 with valine.
Molecular consequence: missense variant.
Genome position (GRCh38, 1-based): chr2:29,193,285, G>A on the plus strand (C>T on the coding strand, the complement: ALK is on the minus strand). VCF-style: chr2-29193285-G-A. GRCh37 (hg19) VCF-style: chr2-29416151-G-A.
Other names: c.1598C>T, p.Ala533Val (NM_001353765.2); short protein forms A1601V, A533V.
Identifiers: ClinVar variation 4041163 (VCV004041163.1).